The following is an entry in ClinVar:

NM_206933.4(USH2A):c.14525C>T (p.Ser4842Leu)

Gene: USH2A (usherin; minus strand). Cytogenetic location: 1q41.
Variant type: single nucleotide variant.
Coding change: c.14525C>T on transcript NM_206933.4 (MANE Select); coding-DNA position 14525, C replaced by T.
Protein change: p.Ser4842Leu; replaces serine 4842 with leucine.
Molecular consequence: missense variant.
Genome position (GRCh38, 1-based): chr1:215,648,585, G>A on the plus strand (C>T on the coding strand, the complement: USH2A is on the minus strand). VCF-style: chr1-215648585-G-A. GRCh37 (hg19) VCF-style: chr1-215821927-G-A.
Other names: short protein forms S4842L.
Identifiers: ClinVar variation 1395686 (VCV001395686.6), dbSNP rs1558037018, ClinGen allele CA344833342.

ClinVar aggregate classification (germline): Uncertain significance (1 of 4 stars; one submission).

Allele frequency attached by ClinVar (database versions not stated): gnomAD exomes below 0.00001.
gnomAD v4.1: 1 of 1,614,188 alleles (0.000062%); highest among the groups gnomAD compares: Admixed American, 0.0017%; no homozygotes.

Submission:

Labcorp Genetics (formerly Invitae), Labcorp
Classification: Uncertain significance. Last evaluated: 2022-03-09. Review status: criteria provided, single submitter. Criteria: Invitae Variant Classification Sherloc (09022015). Collection method: clinical testing. Allele origin: germline.
Comment: This variant is not present in population databases (gnomAD no frequency). In summary, the available evidence is currently insufficient to determine the role of this variant in disease. Therefore, it has been classified as a Variant of Uncertain Significance. Algorithms developed to predict the effect of missense changes on protein structure and function are either unavailable or do not agree on the potential impact of this missense change (SIFT: "Deleterious"; PolyPhen-2: "Probably Damaging"; Align-GVGD: "Class C0"). This variant has not been reported in the literature in individuals affected with USH2A-related conditions. This sequence change replaces serine, which is neutral and polar, with leucine, which is neutral and non-polar, at codon 4842 of the USH2A protein (p.Ser4842Leu).